The following is an entry in ClinVar:

ClinVar aggregate classification (germline): Uncertain significance (1 of 4 stars; one submission).

Allele frequency attached by ClinVar (database versions not stated): ExAC 0.00004.
gnomAD v4.1: 8 of 1,604,976 alleles (0.0005%); highest among the groups gnomAD compares: South Asian, 0.0077%; no homozygotes.

Submission:

Labcorp Genetics (formerly Invitae), Labcorp
Classification: Uncertain significance. Last evaluated: 2023-05-11. Review status: criteria provided, single submitter. Criteria: Invitae Variant Classification Sherloc (09022015). Collection method: clinical testing. Allele origin: germline.
Comment: This sequence change replaces threonine, which is neutral and polar, with arginine, which is basic and polar, at codon 200 of the KCNQ4 protein (p.Thr200Arg). This variant is present in population databases (rs765015347, gnomAD 0.02%). This variant has not been reported in the literature in individuals affected with KCNQ4-related conditions. Advanced modeling of protein sequence and biophysical properties (such as structural, functional, and spatial information, amino acid conservation, physicochemical variation, residue mobility, and thermodynamic stability) performed at Invitae indicates that this missense variant is expected to disrupt KCNQ4 protein function. Algorithms developed to predict the effect of sequence changes on RNA splicing suggest that this variant may create or strengthen a splice site. In summary, the available evidence is currently insufficient to determine the role of this variant in disease. Therefore, it has been classified as a Variant of Uncertain Significance.

NM_004700.4(KCNQ4):c.599C>G (p.Thr200Arg)

Gene: KCNQ4 (potassium voltage-gated channel subfamily Q member 4; plus strand). Cytogenetic location: 1p34.2.
Variant type: single nucleotide variant.
Coding change: c.599C>G on transcript NM_004700.4 (MANE Select); coding-DNA position 599, C replaced by G.
Protein change: p.Thr200Arg; replaces threonine 200 with arginine.
Molecular consequence: missense variant.
Genome position (GRCh38, 1-based): chr1:40,818,571, C>G. VCF-style: chr1-40818571-C-G. GRCh37 (hg19) VCF-style: chr1-41284243-C-G.
Other names: c.599C>G, p.Thr200Arg (NM_172163.3); short protein forms T200R.
Identifiers: ClinVar variation 2796661 (VCV002796661.3), dbSNP rs765015347, ClinGen allele CA794582.